The following is an entry in ClinVar:

ClinVar aggregate classification (germline): Uncertain significance (1 of 4 stars; one submission).

Conditions:
Non-obstructive azoospermia. Identifiers: MedGen C4021107, HP:0011961.

Submission:

Institute of Reproductive Genetics, University of Münster
Classification: Uncertain significance for Non-obstructive azoospermia. Last evaluated: 2021-03-01. Review status: criteria provided, single submitter. Criteria: ACMG Guidelines, 2015. Collection method: research. Allele origin: unknown. Inheritance: Autosomal unknown. Affected: yes. Observed: 1 variant allele, 1 heterozygote.
Comment: PM2

NM_001039111.3(TRIM71):c.803T>A (p.Leu268His)

Gene: TRIM71 (tripartite motif containing 71; plus strand). Cytogenetic location: 3p22.3.
Variant type: single nucleotide variant.
Coding change: c.803T>A on transcript NM_001039111.3 (MANE Select); coding-DNA position 803, T replaced by A.
Protein change: p.Leu268His; replaces leucine 268 with histidine.
Molecular consequence: missense variant.
Genome position (GRCh38, 1-based): chr3:32,818,883, T>A. VCF-style: chr3-32818883-T-A. GRCh37 (hg19) VCF-style: chr3-32860375-T-A.
Other names: short protein forms L268H.
Identifiers: ClinVar variation 996344 (VCV000996344.3), dbSNP rs1363812189, ClinGen allele CA351990820.
Genomic context (GRCh38, chr3:32,818,883, plus strand): 5'-CAGCAGCGGCGCAGCAGCTCGGGCTCGGGCCGCCCTTTCCCGGCCCGCCCTTCTCCATCC[T>A]CTCAGTGTTTCCCGAGCGCCTCGGCTTCTGCCAGCACCACGACGACGAGGTGAGTGCGTG-3'
Protein context (NP_001034200.1, residues 258-278): PPFPGPPFSI[Leu268His]SVFPERLGFC